The following is an entry in ClinVar:

NM_005207.4(CRKL):c.506G>A (p.Arg169Gln)

Gene: CRKL (CRK like proto-oncogene, adaptor protein; plus strand). Cytogenetic location: 22q11.21.
Variant type: single nucleotide variant.
Coding change: c.506G>A on transcript NM_005207.4 (MANE Select); coding-DNA position 506, G replaced by A.
Protein change: p.Arg169Gln; replaces arginine 169 with glutamine.
Molecular consequence: missense variant. On other transcripts: non-coding transcript variant (1).
Genome position (GRCh38, 1-based): chr22:20,933,973, G>A. VCF-style: chr22-20933973-G-A. GRCh37 (hg19) VCF-style: chr22-21288261-G-A.
Other names: c.506G>A (NM_005207.3); short protein forms R169Q.
Identifiers: ClinVar variation 1940607 (VCV001940607.7), dbSNP rs373785511, ClinGen allele CA322269138.

ClinVar aggregate classification (germline): Uncertain significance. Review status: criteria provided, multiple submitters, no conflicts (2 of 4 stars). 2 submissions from 2 submitters: Uncertain significance (2). Last evaluated 2025-06-12.

Allele frequency attached by ClinVar (database versions not stated): gnomAD 0.00001; gnomAD exomes 0.00001; TOPMed 0.00002; ESP Exome Variant Server 0.00008.
gnomAD v4.1: 10 of 1,614,062 alleles (0.00062%); highest among the groups gnomAD compares: African/African-American, 0.004%; no homozygotes.

Submissions (2):

Labcorp Genetics (formerly Invitae), Labcorp
Classification: Uncertain significance. Last evaluated: 2025-06-12. Review status: criteria provided, single submitter. Criteria: Invitae Variant Classification Sherloc (09022015). Collection method: clinical testing. Allele origin: germline.
Comment: This sequence change replaces arginine, which is basic and polar, with glutamine, which is neutral and polar, at codon 169 of the CRKL protein (p.Arg169Gln). This variant is not present in population databases (gnomAD no frequency). This variant has not been reported in the literature in individuals affected with CRKL-related conditions. ClinVar contains an entry for this variant (Variation ID: 1940607). An algorithm developed to predict the effect of missense changes on protein structure and function outputs the following: PolyPhen-2: "Benign". The glutamine amino acid residue is found in multiple mammalian species, which suggests that this missense change does not adversely affect protein function. In summary, the available evidence is currently insufficient to determine the role of this variant in disease. Therefore, it has been classified as a Variant of Uncertain Significance.

Ambry Genetics
Classification: Uncertain significance. Last evaluated: 2023-08-02. Review status: criteria provided, single submitter. Criteria: Ambry Variant Classification Scheme 2023. Collection method: clinical testing. Allele origin: germline.